The following is an entry in ClinVar:

ClinVar aggregate classification (germline): Uncertain significance (1 of 4 stars; one submission).

Conditions:
Episodic ataxia type 2 (EA2). Also called: ATAXIA, EPISODIC, WITH NYSTAGMUS; ATAXIA, FAMILIAL PAROXYSMAL; ACETAZOLAMIDE-RESPONSIVE HEREDITARY PAROXYSMAL CEREBELLAR ATAXIA; CEREBELLAR ATAXIA, PAROXYSMAL, ACETAZOLAMIDE-RESPONSIVE; CEREBELLOPATHY, HEREDITARY PAROXYSMAL; EPISODIC ATAXIA, NYSTAGMUS-ASSOCIATED. Identifiers: Orphanet 97, MedGen C1720416, MONDO:0007163, OMIM 108500.
Developmental and epileptic encephalopathy, 42 (DEE42A). Also called: Epileptic encephalopathy, early infantile, 42; DEVELOPMENTAL AND EPILEPTIC ENCEPHALOPATHY 42A; EPILEPTIC ENCEPHALOPATHY, EARLY INFANTILE, 42A. Identifiers: MedGen C4310716, MONDO:0014917, OMIM 617106.

Submission:

Labcorp Genetics (formerly Invitae), Labcorp
Classification: Uncertain significance for Developmental and epileptic encephalopathy, 42; Episodic ataxia type 2. Last evaluated: 2025-01-30. Review status: criteria provided, single submitter. Criteria: Invitae Variant Classification Sherloc (09022015). Collection method: clinical testing. Allele origin: germline.
Comment: This sequence change falls in intron 40 of the CACNA1A gene. It does not directly change the encoded amino acid sequence of the CACNA1A protein. This variant is not present in population databases (gnomAD no frequency). This variant has not been reported in the literature in individuals affected with CACNA1A-related conditions. Experimental studies and prediction algorithms are not available or were not evaluated, and the effect of this variant on mRNA splicing is currently unknown. In summary, the available evidence is currently insufficient to determine the role of this variant in disease. Therefore, it has been classified as a Variant of Uncertain Significance.

NM_001127222.2(CACNA1A):c.5941-33_5941-11dup

Gene: CACNA1A (calcium voltage-gated channel subunit alpha1 A; minus strand). Cytogenetic location: 19p13.13.
Variant type: Duplication.
Coding change: c.5941-33_5941-11dup on transcript NM_001127222.2 (MANE Select); 33 bases into the intron before coding-DNA position 5941 through 11 bases into the intron before coding-DNA position 5941, 23 bases duplicated (TGTCCACACACTGCTCTCTGCCC).
Molecular consequence: intron variant.
Genome position (GRCh38, 1-based): chr19:13,212,751-13,212,773, GGGCAGAGAGCAGTGTGTGGACA duplicated on the plus strand (TGTCCACACACTGCTCTCTGCCC on the coding strand, the reverse complement: CACNA1A is on the minus strand). VCF-style (leftmost placement, unchanged base first): chr19-13212750-G-GGGGCAGAGAGCAGTGTGTGGACA. GRCh37 (hg19) VCF-style: chr19-13323564-G-GGGGCAGAGAGCAGTGTGTGGACA.
Other names: c.5944-33_5944-11dup (NM_001127221.2); c.5950-33_5950-11dup (NM_001174080.2); c.5959-33_5959-11dup (NM_000068.4, NM_023035.3).
Identifiers: ClinVar variation 3763849 (VCV003763849.2).